The following is an entry in ClinVar:

NM_000891.3(KCNJ2):c.566G>A (p.Arg189Lys)

Gene: KCNJ2 (potassium inwardly rectifying channel subfamily J member 2; plus strand). Cytogenetic location: 17q24.3.
Variant type: single nucleotide variant.
Coding change: c.566G>A on transcript NM_000891.3 (MANE Select); coding-DNA position 566, G replaced by A.
Protein change: p.Arg189Lys; replaces arginine 189 with lysine.
Molecular consequence: missense variant.
Genome position (GRCh38, 1-based): chr17:70,175,605, G>A. VCF-style: chr17-70175605-G-A. GRCh37 (hg19) VCF-style: chr17-68171746-G-A.
Other names: p.R189K:AGA>AAA; short protein forms R189K.
Identifiers: ClinVar variation 190812 (VCV000190812.9), dbSNP rs199473381, ClinGen allele CA302035.

ClinVar aggregate classification (germline): Conflicting classifications of pathogenicity. Review status: criteria provided, conflicting classifications (1 of 4 stars). 3 submissions from 3 submitters: Likely pathogenic (2); Uncertain significance (1). Last evaluated 2025-09-10.

Conditions:
KCNJ2-related disorder. Also called: KCNJ2-related condition.
Andersen Tawil syndrome (LQT7). Also called: Potassium-sensitive periodic paralysis, ventricular ectopy, and dysmorphic features; ANDERSEN CARDIODYSRHYTHMIC PERIODIC PARALYSIS; Andersen Syndrome; PERIODIC PARALYSIS, POTASSIUM-SENSITIVE CARDIODYSRHYTHMIC TYPE; LONG QT SYNDROME 7. Identifiers: Orphanet 37553, MedGen C1563715, MONDO:0008222, OMIM 170390.
Short QT syndrome type 3. Identifiers: Orphanet 51083, MedGen C1865018, MONDO:0012314, OMIM 609622.

Submissions (3):

GeneDx
Classification: Uncertain significance. Last evaluated: 2025-09-10. Review status: criteria provided, single submitter. Criteria: GeneDx Variant Classification Process June 2021. Collection method: clinical testing. Allele origin: germline. Affected: yes.
Comment: Not observed at significant frequency in large population cohorts (gnomAD); In silico analysis supports that this missense variant has a deleterious effect on protein structure/function; Has not been previously published as pathogenic or benign to our knowledge

Labcorp Genetics (formerly Invitae), Labcorp
Classification: Likely pathogenic for Short QT syndrome type 3; Andersen Tawil syndrome. Last evaluated: 2022-04-24. Review status: criteria provided, single submitter. Criteria: Invitae Variant Classification Sherloc (09022015). Collection method: clinical testing. Allele origin: germline.
Comment: ClinVar contains an entry for this variant (Variation ID: 190812). Advanced modeling of protein sequence and biophysical properties (such as structural, functional, and spatial information, amino acid conservation, physicochemical variation, residue mobility, and thermodynamic stability) performed at Invitae indicates that this missense variant is expected to disrupt KCNJ2 protein function. This variant disrupts the p.Arg189 amino acid residue in KCNJ2. Other variant(s) that disrupt this residue have been observed in individuals with KCNJ2-related conditions (PMID: 12796536, 27145478), which suggests that this may be a clinically significant amino acid residue. In summary, the currently available evidence indicates that the variant is pathogenic, but additional data are needed to prove that conclusively. Therefore, this variant has been classified as Likely Pathogenic. This sequence change replaces arginine, which is basic and polar, with lysine, which is basic and polar, at codon 189 of the KCNJ2 protein (p.Arg189Lys). This variant is not present in population databases (gnomAD no frequency). This missense change has been observed in individual(s) with Anderson-Tawil sydnrome (Invitae).

Blueprint Genetics
Classification: Likely pathogenic for KCNJ2-related disorders. Last evaluated: 2021-03-17. Review status: criteria provided, single submitter. Criteria: ACMG Guidelines, 2015. Collection method: clinical testing. Allele origin: germline. Affected: yes. Observed: 1 variant allele.

Literature cited by the submitters: PubMed 12796536 (cited by Labcorp Genetics (formerly Invitae), Labcorp); PubMed 27145478 (cited by Labcorp Genetics (formerly Invitae), Labcorp).